The following is an entry in ClinVar:

NM_001370259.2(MEN1):c.145G>T (p.Ala49Ser)

Gene: MEN1 (menin 1; minus strand). Cytogenetic location: 11q13.1.
Variant type: single nucleotide variant.
Coding change: c.145G>T on transcript NM_001370259.2 (MANE Select); coding-DNA position 145, G replaced by T.
Protein change: p.Ala49Ser; replaces alanine 49 with serine.
Molecular consequence: missense variant.
Genome position (GRCh38, 1-based): chr11:64,809,965, C>A on the plus strand (G>T on the coding strand, the complement: MEN1 is on the minus strand). VCF-style: chr11-64809965-C-A. GRCh37 (hg19) VCF-style: chr11-64577437-C-A.
Other names: c.145G>T, p.Ala49Ser (NM_000244.4, NM_001370251.2, NM_001370260.2 and 20 more transcripts); short protein forms A49S.
Identifiers: ClinVar variation 2183565 (VCV002183565.4), dbSNP rs1942011819, ClinGen allele CA381187806.

ClinVar aggregate classification (germline): Uncertain significance (1 of 4 stars; one submission).

Conditions:
Multiple endocrine neoplasia, type 1 (MEN1). Also called: MEN I; WERMER SYNDROME; Endocrine adenomatosis multiple; MEN 1; MEA I. Identifiers: Orphanet 652, MedGen C0025267, MeSH D018761, MONDO:0007540, OMIM 131100.

Submission:

Labcorp Genetics (formerly Invitae), Labcorp
Classification: Uncertain significance for Multiple endocrine neoplasia, type 1. Last evaluated: 2022-09-03. Review status: criteria provided, single submitter. Criteria: Invitae Variant Classification Sherloc (09022015). Collection method: clinical testing. Allele origin: germline.
Comment: This variant disrupts the p.Ala49 amino acid residue in MEN1. Other variant(s) that disrupt this residue have been observed in individuals with MEN1-related conditions (PMID: 12746426, 22026581), which suggests that this may be a clinically significant amino acid residue. In summary, the available evidence is currently insufficient to determine the role of this variant in disease. Therefore, it has been classified as a Variant of Uncertain Significance. Advanced modeling of protein sequence and biophysical properties (such as structural, functional, and spatial information, amino acid conservation, physicochemical variation, residue mobility, and thermodynamic stability) performed at Invitae indicates that this missense variant is expected to disrupt MEN1 protein function. This variant has not been reported in the literature in individuals affected with MEN1-related conditions. This variant is not present in population databases (gnomAD no frequency). This sequence change replaces alanine, which is neutral and non-polar, with serine, which is neutral and polar, at codon 49 of the MEN1 protein (p.Ala49Ser).

Literature cited by the submitters: PubMed 12746426; PubMed 22026581.